The following is an entry in ClinVar:

NM_015910.7(WDPCP):c.26C>G (p.Ala9Gly)

Gene: WDPCP (WD repeat containing planar cell polarity effector; minus strand). Cytogenetic location: 2p15.
Variant type: single nucleotide variant.
Coding change: c.26C>G on transcript NM_015910.7 (MANE Select); coding-DNA position 26, C replaced by G.
Protein change: p.Ala9Gly; replaces alanine 9 with glycine.
Molecular consequence: missense variant. On other transcripts: 5 prime UTR variant (1), non-coding transcript variant (2).
Genome position (GRCh38, 1-based): chr2:63,588,246, G>C on the plus strand (C>G on the coding strand, the complement: WDPCP is on the minus strand). VCF-style: chr2-63588246-G-C. GRCh37 (hg19) VCF-style: chr2-63815380-G-C.
Other names: c.-299C>G (NM_001354044.2); c.26C>G, p.Ala9Gly (NM_001354045.2); short protein forms A9G.
Identifiers: ClinVar variation 1347210 (VCV001347210.8), dbSNP rs2106583961, ClinGen allele CA347066611.

ClinVar aggregate classification (germline): Uncertain significance (1 of 4 stars; one submission).

Conditions:
Bardet-Biedl syndrome (BBS). Identifiers: Orphanet 110, MedGen C0752166, MONDO:0015229.

Submission:

Labcorp Genetics (formerly Invitae), Labcorp
Classification: Uncertain significance for Bardet-Biedl syndrome. Last evaluated: 2020-11-14. Review status: criteria provided, single submitter. Criteria: Invitae Variant Classification Sherloc (09022015). Collection method: clinical testing. Allele origin: germline.
Comment: This sequence change replaces alanine with glycine at codon 9 of the WDPCP protein (p.Ala9Gly). The alanine residue is weakly conserved and there is a small physicochemical difference between alanine and glycine. This variant is not present in population databases (ExAC no frequency). This variant has not been reported in the literature in individuals with WDPCP-related conditions. Algorithms developed to predict the effect of missense changes on protein structure and function (SIFT, PolyPhen-2, Align-GVGD) all suggest that this variant is likely to be tolerated, but these predictions have not been confirmed by published functional studies and their clinical significance is uncertain. In summary, the available evidence is currently insufficient to determine the role of this variant in disease. Therefore, it has been classified as a Variant of Uncertain Significance.